The following is an entry in ClinVar:

ClinVar aggregate classification (germline): Uncertain significance (1 of 4 stars; one submission).

Conditions:
Inborn genetic diseases. Identifiers: MedGen C0950123, MeSH D030342.

Submission:

Ambry Genetics
Classification: Uncertain significance for Inborn genetic diseases. Last evaluated: 2026-07-20. Review status: criteria provided, single submitter. Criteria: Ambry Variant Classification Scheme 2023. Collection method: clinical testing. Allele origin: germline.
Comment: The p.V768G variant (also known as c.2303T>G), located in coding exon 25 of the RTEL1 gene, results from a T to G substitution at nucleotide position 2303. The valine at codon 768 is replaced by glycine, an amino acid with dissimilar properties. This amino acid position is conserved. In addition, this alteration is predicted to be tolerated by in silico analysis. Based on the available evidence, the clinical significance of this variant remains unclear.

NM_001283009.2(RTEL1):c.2303T>G (p.Val768Gly)

Genes: RTEL1 (regulator of telomere elongation helicase 1; plus strand), RTEL1-TNFRSF6B (RTEL1-TNFRSF6B readthrough (NMD candidate); plus strand). Cytogenetic location: 20q13.33.
Variant type: single nucleotide variant.
Coding change: c.2303T>G on transcript NM_001283009.2 (MANE Select); coding-DNA position 2303, T replaced by G.
Protein change: p.Val768Gly; replaces valine 768 with glycine.
Molecular consequence: missense variant. On other transcripts: non-coding transcript variant (1).
Genome position (GRCh38, 1-based): chr20:63,690,331, T>G. VCF-style: chr20-63690331-T-G. GRCh37 (hg19) VCF-style: chr20-62321684-T-G.
Other names: c.1634T>G, p.Val545Gly (NM_001283010.1); c.2303T>G, p.Val768Gly (NM_016434.4); c.2375T>G, p.Val792Gly (NM_032957.5); short protein forms V768G, V545G, V792G.
Identifiers: ClinVar variation 5028486 (VCV005028486.1).
Genomic context (GRCh38, chr20:63,690,331, plus strand): 5'-CACCCACCCCCATGGTTCTGCAGATGCCAGCGCCGGCCCCCCGGGCTACAGCACCCAGTG[T>G]GCGTGGAGAAGATGCTGTCAGCGAGGCCAAGTCGCCTGGCCCCTTCTTCTCCACCAGGAA-3'
Protein context (NP_001269938.1, residues 758-778): APAPRATAPS[Val768Gly]RGEDAVSEAK